The following is an entry in ClinVar:

ClinVar aggregate classification (germline): Uncertain significance. Review status: criteria provided, multiple submitters, no conflicts (2 of 4 stars). 2 submissions from 2 submitters: Uncertain significance (2). Last evaluated 2024-08-06.

Conditions:
Inborn genetic diseases. Identifiers: MedGen C0950123, MeSH D030342.

gnomAD v4.1: 4 of 1,613,404 alleles (0.00025%); highest among the groups gnomAD compares: East Asian, 0.0089%; no homozygotes.

Submissions (2):

GeneDx
Classification: Uncertain significance. Last evaluated: 2024-08-06. Review status: criteria provided, single submitter. Criteria: GeneDx Variant Classification Process June 2021. Collection method: clinical testing. Allele origin: germline. Affected: yes.
Comment: In silico analysis indicates that this missense variant does not alter protein structure/function; Has not been previously published as pathogenic or benign to our knowledge

Ambry Genetics
Classification: Uncertain significance for Inborn genetic diseases. Last evaluated: 2024-04-08. Review status: criteria provided, single submitter. Criteria: Ambry Variant Classification Scheme 2023. Collection method: clinical testing. Allele origin: germline.

NM_000395.3(CSF2RB):c.1499T>A (p.Met500Lys)

Gene: CSF2RB (colony stimulating factor 2 receptor subunit beta; plus strand). Cytogenetic location: 22q12.3.
Variant type: single nucleotide variant.
Coding change: c.1499T>A on transcript NM_000395.3 (MANE Select); coding-DNA position 1499, T replaced by A.
Protein change: p.Met500Lys; replaces methionine 500 with lysine.
Molecular consequence: missense variant.
Genome position (GRCh38, 1-based): chr22:36,936,583, T>A. VCF-style: chr22-36936583-T-A. GRCh37 (hg19) VCF-style: chr22-37332625-T-A.
Other names: c.1517T>A, p.Met506Lys (NM_001410827.1); short protein forms M500K, M506K.
Identifiers: ClinVar variation 3269754 (VCV003269754.2).